The following is an entry in ClinVar:

NM_001372.4(DNAH9):c.1342G>A (p.Val448Met)

Gene: DNAH9 (dynein axonemal heavy chain 9; plus strand). Cytogenetic location: 17p12.
Variant type: single nucleotide variant.
Coding change: c.1342G>A on transcript NM_001372.4 (MANE Select); coding-DNA position 1342, G replaced by A.
Protein change: p.Val448Met; replaces valine 448 with methionine.
Molecular consequence: missense variant.
Genome position (GRCh38, 1-based): chr17:11,619,773, G>A. VCF-style: chr17-11619773-G-A. GRCh37 (hg19) VCF-style: chr17-11523090-G-A.
Other names: c.1342G>A (NM_001372.3); short protein forms V448M.
Identifiers: ClinVar variation 2738391 (VCV002738391.4), dbSNP rs373879903, ClinGen allele CA8394802.

ClinVar aggregate classification (germline): Conflicting classifications of pathogenicity. Review status: criteria provided, conflicting classifications (1 of 4 stars). 3 submissions from 3 submitters: Uncertain significance (2); Likely benign (1). Last evaluated 2026-06-27.

Conditions:
DNAH9-related disorder. Also called: DNAH9-related condition.
Inborn genetic diseases. Identifiers: MedGen C0950123, MeSH D030342.

Allele frequency attached by ClinVar (database versions not stated): gnomAD 0.00003; ESP Exome Variant Server 0.00008; 1000 Genomes Project 30x 0.00016; 1000 Genomes Project 0.00020.
gnomAD v4.1: 53 of 1,598,500 alleles (0.0033%); highest among the groups gnomAD compares: Middle Eastern, 0.033%; no homozygotes.

Submissions (3):

PreventionGenetics, part of Exact Sciences
Classification: Uncertain significance for DNAH9-related condition. Last evaluated: 2026-06-27. Review status: criteria provided, single submitter. Criteria: ACMG Guidelines, 2015. Collection method: clinical testing. Allele origin: germline.
Comment: The DNAH9 c.1342G>A variant is predicted to result in the amino acid substitution p.Val448Met. To our knowledge, this variant has not been reported in the literature. This variant is reported in 0.012% of alleles in individuals of African descent in gnomAD. At this time, the clinical significance of this variant is uncertain due to the absence of conclusive functional and genetic evidence.

Ambry Genetics
Classification: Likely benign for Inborn genetic diseases. Last evaluated: 2024-02-13. Review status: criteria provided, single submitter. Criteria: Ambry Variant Classification Scheme 2023. Collection method: clinical testing. Allele origin: germline.

Labcorp Genetics (formerly Invitae), Labcorp
Classification: Uncertain significance. Last evaluated: 2023-08-17. Review status: criteria provided, single submitter. Criteria: Invitae Variant Classification Sherloc (09022015). Collection method: clinical testing. Allele origin: germline.
Comment: In summary, the available evidence is currently insufficient to determine the role of this variant in disease. Therefore, it has been classified as a Variant of Uncertain Significance. Algorithms developed to predict the effect of missense changes on protein structure and function output the following: SIFT: "Not Available"; PolyPhen-2: "Benign"; Align-GVGD: "Not Available". The methionine amino acid residue is found in multiple mammalian species, which suggests that this missense change does not adversely affect protein function. This variant has not been reported in the literature in individuals affected with DNAH9-related conditions. This variant is present in population databases (rs373879903, gnomAD 0.01%). This sequence change replaces valine, which is neutral and non-polar, with methionine, which is neutral and non-polar, at codon 448 of the DNAH9 protein (p.Val448Met).